The following is an entry in ClinVar:

ClinVar aggregate classification (germline): Uncertain significance (1 of 4 stars; one submission).

Allele frequency attached by ClinVar (database versions not stated): gnomAD exomes below 0.00001 and 0.00001; TOPMed below 0.00001.
gnomAD v4.1: 15 of 1,613,908 alleles (0.00093%); highest among the groups gnomAD compares: African/African-American, 0.0013%; no homozygotes.

Submission:

Labcorp Genetics (formerly Invitae), Labcorp
Classification: Uncertain significance. Last evaluated: 2022-08-16. Review status: criteria provided, single submitter. Criteria: Invitae Variant Classification Sherloc (09022015). Collection method: clinical testing. Allele origin: germline.
Comment: In summary, the available evidence is currently insufficient to determine the role of this variant in disease. Therefore, it has been classified as a Variant of Uncertain Significance. ClinVar contains an entry for this variant (Variation ID: 1405261). Algorithms developed to predict the effect of missense changes on protein structure and function are either unavailable or do not agree on the potential impact of this missense change (SIFT: "Not Available"; PolyPhen-2: "Possibly Damaging"; Align-GVGD: "Not Available"). This sequence change replaces proline with histidine at codon 39 of the USB1 protein (p.Pro39His). The proline residue is weakly conserved and there is a moderate physicochemical difference between proline and histidine. This variant is present in population databases (no rsID available, gnomAD 0.007%). This variant has not been reported in the literature in individuals affected with USB1-related conditions.

NM_024598.4(USB1):c.116C>A (p.Pro39His)

Gene: USB1 (U6 snRNA biogenesis phosphodiesterase 1; plus strand). Cytogenetic location: 16q21.
Variant type: single nucleotide variant.
Coding change: c.116C>A on transcript NM_024598.4 (MANE Select); coding-DNA position 116, C replaced by A.
Protein change: p.Pro39His; replaces proline 39 with histidine.
Molecular consequence: missense variant. On other transcripts: 5 prime UTR variant (1).
Genome position (GRCh38, 1-based): chr16:58,002,496, C>A. VCF-style: chr16-58002496-C-A. GRCh37 (hg19) VCF-style: chr16-58036400-C-A.
Other names: c.116C>A, p.Pro39His (NM_001195302.2, NM_001204911.2, NM_001330569.2); c.-38C>A (NM_001330568.2); short protein forms P39H.
Identifiers: ClinVar variation 1405261 (VCV001405261.6), dbSNP rs1470407361, ClinGen allele CA396085393.
Genomic context (GRCh38, chr16:58,002,496, plus strand): 5'-CTAACAGGATAAATGTACTCATTTTTCTTTTTTTCTTTTGCAGTGGCCAGAGCCCCCTTC[C>A]CAGGCAGAGATTTCCAGTACCTGACAGTGTGCTGAACATGTTCCCGGGCACCGAGGAGGG-3'
Protein context (NP_078874.2, residues 29-49): GSHRRGQSPL[Pro39His]RQRFPVPDSV